The following is an entry in ClinVar:

ClinVar aggregate classification (germline): Likely benign. Review status: criteria provided, multiple submitters, no conflicts (2 of 4 stars). 3 submissions from 3 submitters: Likely benign (2). 1 of the submissions does not count toward it. Last evaluated 2025-09-07.

Conditions:
KMT2A-related disorder. Also called: KMT2A-related condition.
Intellectual disability. Also called: Intellectual functioning disability; intellectual disabilities; Intellectual developmental disorder. Identifiers: MedGen C3714756, MeSH D008607, MONDO:0001071, HP:0001249.

Allele frequency attached by ClinVar (database versions not stated): ExAC 0.00002; gnomAD exomes 0.00001 and 0.00002; TOPMed 0.00002; gnomAD 0.00001 and 0.00002.
gnomAD v4.1: 18 of 1,613,306 alleles (0.0011%); highest among the groups gnomAD compares: South Asian, 0.0077%; 1 homozygote.

Submissions (3):

Labcorp Genetics (formerly Invitae), Labcorp
Classification: Likely benign. Last evaluated: 2025-09-07. Review status: criteria provided, single submitter. Criteria: Invitae Variant Classification Sherloc (09022015). Collection method: clinical testing. Allele origin: germline.

Centre de Biologie Pathologie Génétique, Centre Hospitalier Universitaire de Lille
Classification: Likely benign for Intellectual disability. Last evaluated: 2017-01-01. Review status: criteria provided, single submitter. Criteria: ACMG Guidelines, 2015. Collection method: clinical testing. Allele origin: paternal. Affected: no.

PreventionGenetics, part of Exact Sciences
Classification: Likely benign for KMT2A-related condition. Last evaluated: 2024-04-04. Review status: no assertion criteria provided. Collection method: clinical testing. Allele origin: germline. Not counted in ClinVar's aggregate classification.
Comment: This variant is classified as likely benign based on ACMG/AMP sequence variant interpretation guidelines (Richards et al. 2015 PMID: 25741868, with internal and published modifications).

NM_001197104.2(KMT2A):c.5630C>T (p.Ala1877Val)

Gene: KMT2A (lysine methyltransferase 2A; plus strand). Cytogenetic location: 11q23.3.
Variant type: single nucleotide variant.
Coding change: c.5630C>T on transcript NM_001197104.2 (MANE Select); coding-DNA position 5630, C replaced by T.
Protein change: p.Ala1877Val; replaces alanine 1877 with valine.
Molecular consequence: missense variant.
Genome position (GRCh38, 1-based): chr11:118,496,333, C>T. VCF-style: chr11-118496333-C-T. GRCh37 (hg19) VCF-style: chr11-118367048-C-T.
Other names: c.5621C>T, p.Ala1874Val (NM_005933.4); short protein forms A1877V, A1874V.
Identifiers: ClinVar variation 562030 (VCV000562030.5), dbSNP rs782094920, ClinGen allele CA6304085.